The following is an entry in ClinVar:

NM_173354.5(SIK1):c.1972C>T (p.Gln658Ter)

Gene: SIK1 (salt inducible kinase 1; minus strand). Cytogenetic location: 21q22.3.
Variant type: single nucleotide variant.
Coding change: c.1972C>T on transcript NM_173354.5 (MANE Select); coding-DNA position 1972, C replaced by T.
Protein change: p.Gln658Ter; replaces glutamine 658 with a stop codon.
Molecular consequence: nonsense.
Genome position (GRCh38, 1-based): chr21:43,417,547, G>A on the plus strand (C>T on the coding strand, the complement: SIK1 is on the minus strand). VCF-style: chr21-43417547-G-A. GRCh37 (hg19) VCF-style: chr21-44837427-G-A.
Other names: short protein forms Q658*.
Identifiers: ClinVar variation 2699792 (VCV002699792.3), dbSNP rs1385465113, ClinGen allele CA410606926.

ClinVar aggregate classification (germline): Uncertain significance (1 of 4 stars; one submission).

Conditions:
Developmental and epileptic encephalopathy, 30 (DEE30). Also called: Epileptic encephalopathy, early infantile, 30. Identifiers: MedGen C4225360, MONDO:0014595, OMIM 616341.

Submission:

Labcorp Genetics (formerly Invitae), Labcorp
Classification: Uncertain significance for Developmental and epileptic encephalopathy, 30. Last evaluated: 2023-04-09. Review status: criteria provided, single submitter. Criteria: Invitae Variant Classification Sherloc (09022015). Collection method: clinical testing. Allele origin: germline.
Comment: In summary, the available evidence is currently insufficient to determine the role of this variant in disease. Therefore, it has been classified as a Variant of Uncertain Significance. Experimental studies and prediction algorithms are not available or were not evaluated, and the functional significance of this variant is currently unknown. This variant has not been reported in the literature in individuals affected with SIK1-related conditions. This variant is present in population databases (no rsID available, gnomAD 0.02%). This sequence change creates a premature translational stop signal (p.Gln658*) in the SIK1 gene. While this is not anticipated to result in nonsense mediated decay, it is expected to disrupt the last 126 amino acid(s) of the SIK1 protein.